The following is an entry in ClinVar:

ClinVar aggregate classification (germline): Uncertain significance (1 of 4 stars; one submission).

Conditions:
Hereditary pheochromocytoma and paraganglioma. Also called: Hereditary Paraganglioma-Pheochromocytoma Syndromes; Hereditary pheochromocytoma-paraganglioma; Hereditary paragangliomas and pheochromocytomas. Identifiers: Orphanet 29072, MedGen C4274332, MONDO:0017366.

Submission:

Labcorp Genetics (formerly Invitae), Labcorp
Classification: Uncertain significance for Hereditary pheochromocytoma and paraganglioma. Last evaluated: 2022-12-01. Review status: criteria provided, single submitter. Criteria: Invitae Variant Classification Sherloc (09022015). Collection method: clinical testing. Allele origin: germline.
Comment: This sequence change replaces phenylalanine, which is neutral and non-polar, with leucine, which is neutral and non-polar, at codon 101 of the TMEM127 protein (p.Phe101Leu). This variant is not present in population databases (gnomAD no frequency). This variant has not been reported in the literature in individuals affected with TMEM127-related conditions. Algorithms developed to predict the effect of missense changes on protein structure and function are either unavailable or do not agree on the potential impact of this missense change (SIFT: "Deleterious"; PolyPhen-2: "Benign"; Align-GVGD: "Class C15"). In summary, the available evidence is currently insufficient to determine the role of this variant in disease. Therefore, it has been classified as a Variant of Uncertain Significance.

NM_017849.4(TMEM127):c.303C>G (p.Phe101Leu)

Gene: TMEM127 (transmembrane protein 127; minus strand). Cytogenetic location: 2q11.2.
Variant type: single nucleotide variant.
Coding change: c.303C>G on transcript NM_017849.4 (MANE Select); coding-DNA position 303, C replaced by G.
Protein change: p.Phe101Leu; replaces phenylalanine 101 with leucine.
Molecular consequence: missense variant.
Genome position (GRCh38, 1-based): chr2:96,254,939, G>C on the plus strand (C>G on the coding strand, the complement: TMEM127 is on the minus strand). VCF-style: chr2-96254939-G-C. GRCh37 (hg19) VCF-style: chr2-96920677-G-C.
Other names: c.303C>G, p.Phe101Leu (NM_001193304.3); c.51C>G, p.Phe17Leu (NM_001407282.1, NM_001407283.1); short protein forms F17L, F101L.
Identifiers: ClinVar variation 2817811 (VCV002817811.3), dbSNP rs1259836864, ClinGen allele CA347653516.